The following is an entry in ClinVar:

NC_000007.13:g.(?_106921725)_(107167822_?)del

Genes: COG5 (component of oligomeric golgi complex 5; minus strand), GPR22 (G protein-coupled receptor 22; plus strand). Cytogenetic location: 7q22.3.
Variant type: Deletion.
Identifiers: ClinVar variation 2425579 (VCV002425579.4).

ClinVar aggregate classification (germline): Uncertain significance (1 of 4 stars; one submission).

Conditions:
COG5-congenital disorder of glycosylation. Also called: CONGENITAL DISORDER OF GLYCOSYLATION, TYPE IIi; COG5-CDG; CDG IIi. Identifiers: Orphanet 263487, MedGen C3150876, MONDO:0013325, OMIM 613612.

Submission:

Labcorp Genetics (formerly Invitae), Labcorp
Classification: Uncertain significance for COG5-congenital disorder of glycosylation. Last evaluated: 2022-07-14. Review status: criteria provided, single submitter. Criteria: Invitae Variant Classification Sherloc (09022015). Collection method: clinical testing. Allele origin: germline.
Comment: In summary, the available evidence is currently insufficient to determine the role of this variant in disease. Therefore, it has been classified as a Variant of Uncertain Significance. This variant disrupts a region of the COG5 protein in which other variant(s) (p.Ser186_Lys187delinsLeu) have been observed in individuals with COG5-related conditions (PMID: 23228021). This suggests that this is a clinically significant region of the protein, and that variants that disrupt it are likely to be disease-causing. Experimental studies and prediction algorithms are not available or were not evaluated, and the functional significance of this variant is currently unknown. This variant has not been reported in the literature in individuals affected with COG5-related conditions. This variant is a gross deletion of the genomic region encompassing exon(s) 6-14 of the COG5 gene. This variant would be expected to be in-frame, preserving the integrity of the reading frame.

Literature cited by the submitters: PubMed 23228021.